The following is an entry in ClinVar:

NM_025179.4(PLXNA2):c.2594C>T (p.Thr865Met)

Gene: PLXNA2 (plexin A2; minus strand). Cytogenetic location: 1q32.2.
Variant type: single nucleotide variant.
Coding change: c.2594C>T on transcript NM_025179.4 (MANE Select); coding-DNA position 2594, C replaced by T.
Protein change: p.Thr865Met; replaces threonine 865 with methionine.
Molecular consequence: missense variant.
Genome position (GRCh38, 1-based): chr1:208,060,830, G>A on the plus strand (C>T on the coding strand, the complement: PLXNA2 is on the minus strand). VCF-style: chr1-208060830-G-A. GRCh37 (hg19) VCF-style: chr1-208234175-G-A.
Other names: c.2594C>T (NM_025179.3); short protein forms T865M.
Identifiers: ClinVar variation 3717969 (VCV003717969.4).

ClinVar aggregate classification (germline): Uncertain significance. Review status: criteria provided, multiple submitters, no conflicts (2 of 4 stars). 3 submissions from 3 submitters: Uncertain significance (3). Last evaluated 2025-11-05.

Conditions:
PLXNA2-related disorder. Also called: PLXNA2-related condition.

gnomAD v4.1: 16 of 1,613,562 alleles (0.00099%); highest among the groups gnomAD compares: African/African-American, 0.0027%; no homozygotes.

Submissions (3):

Ambry Genetics
Classification: Uncertain significance. Last evaluated: 2025-11-05. Review status: criteria provided, single submitter. Criteria: Ambry Variant Classification Scheme 2023. Collection method: clinical testing. Allele origin: germline.

PreventionGenetics, part of Exact Sciences
Classification: Uncertain significance for PLXNA2-related condition. Last evaluated: 2025-03-31. Review status: criteria provided, single submitter. Criteria: ACMG Guidelines, 2015. Collection method: clinical testing. Allele origin: germline.
Comment: The PLXNA2 c.2594C>T variant is predicted to result in the amino acid substitution p.Thr865Met. To our knowledge, this variant has not been reported in the literature. This variant is reported in 0.0080% of alleles in individuals of African descent in gnomAD. At this time, the clinical significance of this variant is uncertain due to the absence of conclusive functional and genetic evidence.

Labcorp Genetics (formerly Invitae), Labcorp
Classification: Uncertain significance. Last evaluated: 2024-03-10. Review status: criteria provided, single submitter. Criteria: Invitae Variant Classification Sherloc (09022015). Collection method: clinical testing. Allele origin: germline.
Comment: This sequence change replaces threonine, which is neutral and polar, with methionine, which is neutral and non-polar, at codon 865 of the PLXNA2 protein (p.Thr865Met). This variant is present in population databases (no rsID available, gnomAD 0.008%). This variant has not been reported in the literature in individuals affected with PLXNA2-related conditions. Advanced modeling of protein sequence and biophysical properties (such as structural, functional, and spatial information, amino acid conservation, physicochemical variation, residue mobility, and thermodynamic stability) performed at Invitae indicates that this missense variant is not expected to disrupt PLXNA2 protein function with a negative predictive value of 80%. In summary, the available evidence is currently insufficient to determine the role of this variant in disease. Therefore, it has been classified as a Variant of Uncertain Significance.